The following is an entry in ClinVar:

ClinVar aggregate classification (germline): Uncertain significance. Review status: criteria provided, multiple submitters, no conflicts (2 of 4 stars). 2 submissions from 2 submitters: Uncertain significance (2). Last evaluated 2025-02-07.

Conditions:
X-linked intellectual disability, Cantagrel type (XLID98). Also called: INTELLECTUAL DEVELOPMENTAL DISORDER, X-LINKED 98. Identifiers: Orphanet 85277, MedGen C3806730, MONDO:0010483, OMIM 300912.

Submissions (2):

Labcorp Genetics (formerly Invitae), Labcorp
Classification: Uncertain significance. Last evaluated: 2025-02-07. Review status: criteria provided, single submitter. Criteria: Invitae Variant Classification Sherloc (09022015). Collection method: clinical testing. Allele origin: germline.
Comment: This sequence change replaces serine, which is neutral and polar, with glycine, which is neutral and non-polar, at codon 564 of the NEXMIF protein (p.Ser564Gly). This variant is not present in population databases (gnomAD no frequency). This variant has not been reported in the literature in individuals affected with NEXMIF-related conditions. ClinVar contains an entry for this variant (Variation ID: 2441793). An algorithm developed to predict the effect of missense changes on protein structure and function (PolyPhen-2) suggests that this variant is likely to be tolerated. In summary, the available evidence is currently insufficient to determine the role of this variant in disease. Therefore, it has been classified as a Variant of Uncertain Significance.

Baylor Genetics
Classification: Uncertain significance for X-linked intellectual disability, Cantagrel type. Last evaluated: 2022-10-10. Review status: criteria provided, single submitter. Criteria: ACMG Guidelines, 2015. Collection method: clinical testing. Allele origin: unknown.

NM_001008537.3(NEXMIF):c.1690A>G (p.Ser564Gly)

Gene: NEXMIF (neurite extension and migration factor; minus strand). Cytogenetic location: Xq13.3.
Variant type: single nucleotide variant.
Coding change: c.1690A>G on transcript NM_001008537.3 (MANE Select); coding-DNA position 1690, A replaced by G.
Protein change: p.Ser564Gly; replaces serine 564 with glycine.
Molecular consequence: missense variant.
Genome position (GRCh38, 1-based): chrX:74,742,867, T>C on the plus strand (A>G on the coding strand, the complement: NEXMIF is on the minus strand). VCF-style: chrX-74742867-T-C. GRCh37 (hg19) VCF-style: chrX-73962702-T-C.
Other names: short protein forms S564G.
Identifiers: ClinVar variation 2441793 (VCV002441793.2), dbSNP rs2147440764, ClinGen allele CA413669920.